The following is an entry in ClinVar:

ClinVar aggregate classification (germline): Benign/Likely benign. Review status: criteria provided, multiple submitters, no conflicts (2 of 4 stars). 8 submissions from 8 submitters: Benign (3); Likely benign (4). 1 of the submissions does not count toward it. Last evaluated 2026-01-31.

Conditions:
Lymphangiomyomatosis (LAM). Also called: Lymphangioleiomyomatosis; Lymphangioleiomyomatosis, somatic. Identifiers: Orphanet 538, MedGen C0751674, MONDO:0011705, OMIM 606690.
Tuberous sclerosis 2 (TSC2). Identifiers: Orphanet 805, MedGen C1860707, MONDO:0013199, OMIM 613254.
Isolated focal cortical dysplasia type II (FCORD2). Also called: CORTICAL DYSPLASIA OF TAYLOR; Focal cortical dysplasia type II. Identifiers: Orphanet 268994, MedGen C1846385, MONDO:0011818, OMIM 607341, HP:0032051.
Hereditary cancer-predisposing syndrome. Also called: Tumor predisposition; Neoplastic Syndromes, Hereditary; Hereditary neoplastic syndrome; Hereditary Cancer Syndrome. Identifiers: Orphanet 140162, MedGen C0027672, MeSH D009386, MONDO:0015356.
Tuberous sclerosis syndrome (TSC). Also called: Tuberous Sclerosis Complex; Tuberous sclerosis. Identifiers: Orphanet 805, MedGen C0041341, MONDO:0001734.

Allele frequency attached by ClinVar (database versions not stated): gnomAD exomes 0.00005 and 0.00014; ExAC 0.00015; ESP Exome Variant Server 0.00054; gnomAD 0.00058 and 0.00065; TOPMed 0.00067.
gnomAD v4.1: 162 of 1,613,282 alleles (0.01%); highest among the groups gnomAD compares: African/African-American, 0.2%; no homozygotes.

Submissions (8):

Labcorp Genetics (formerly Invitae), Labcorp
Classification: Benign for Tuberous sclerosis 2. Last evaluated: 2026-01-31. Review status: criteria provided, single submitter. Criteria: Invitae Variant Classification Sherloc (09022015). Collection method: clinical testing. Allele origin: germline.

Genome-Nilou Lab
Classification: Benign for Tuberous sclerosis 2. Last evaluated: 2021-11-07. Review status: criteria provided, single submitter. Criteria: ACMG Guidelines, 2015. Collection method: clinical testing. Allele origin: germline. Affected: no.

Fulgent Genetics
Classification: Likely benign for Lymphangiomyomatosis; Isolated focal cortical dysplasia type II; Tuberous sclerosis 2. Last evaluated: 2021-10-22. Review status: criteria provided, single submitter. Criteria: ACMG Guidelines, 2015. Collection method: clinical testing. Allele origin: unknown.

Sema4
Classification: Benign for Hereditary cancer-predisposing syndrome. Last evaluated: 2020-11-17. Review status: criteria provided, single submitter. Criteria: Sema4 Curation Guidelines. Collection method: curation. Allele origin: germline.

Blueprint Genetics
Classification: Likely benign. Last evaluated: 2020-09-02. Review status: criteria provided, single submitter. Criteria: ACMG Guidelines, 2015. Collection method: clinical testing. Allele origin: germline.

Illumina Laboratory Services, Illumina
Classification: Likely benign for Tuberous sclerosis syndrome. Last evaluated: 2018-01-13. Review status: criteria provided, single submitter. Criteria: ICSL Variant Classification Criteria 13 December 2019. Collection method: clinical testing. Allele origin: germline.
Comment: This variant was observed in the ICSL laboratory as part of a predisposition screen in an ostensibly healthy population. It had not been previously curated by ICSL or reported in the Human Gene Mutation Database (HGMD: prior to June 1st, 2018), and was therefore a candidate for classification through an automated scoring system. Utilizing variant allele frequency, disease prevalence and penetrance estimates, and inheritance mode, an automated score was calculated to assess if this variant is too frequent to cause the disease. Based on the score and internal cut-off values, a variant classified as likely benign is not then subjected to further curation. The score for this variant resulted in a classification of likely benign for this disease.

GeneDx
Classification: Likely benign. Last evaluated: 2017-10-20. Review status: criteria provided, single submitter. Criteria: GeneDx Variant Classification (06012015). Collection method: clinical testing. Allele origin: germline. Affected: yes.
Comment: This variant is considered likely benign or benign based on one or more of the following criteria: it is a conservative change, it occurs at a poorly conserved position in the protein, it is predicted to be benign by multiple in silico algorithms, and/or has population frequency not consistent with disease.

Tuberous sclerosis database (TSC2)
No classification provided. Condition: TSC. Review status: no classification provided. Criteria: Tuberous Sclerosis Database Assertion Criteria 2015. Collection method: curation. Allele origin: germline. Affected: yes. Not counted in ClinVar's aggregate classification.

NM_000548.5(TSC2):c.2742+13C>T

Gene: TSC2 (TSC complex subunit 2; plus strand). Cytogenetic location: 16p13.3.
Variant type: single nucleotide variant.
Coding change: c.2742+13C>T on transcript NM_000548.5 (MANE Select); 13 bases into the intron after coding-DNA position 2742, C replaced by T.
Molecular consequence: intron variant.
Genome position (GRCh38, 1-based): chr16:2,076,183, C>T. VCF-style: chr16-2076183-C-T. GRCh37 (hg19) VCF-style: chr16-2126184-C-T.
Other names: c.2742+13C>T (NM_001114382.3, NM_021055.3, NM_001370405.1 and 3 more transcripts); c.2631+13C>T (NM_001318827.2); c.2142+13C>T (NM_001318831.2); c.2595+13C>T (NM_001318829.2); c.2775+13C>T (NM_001318832.2).
Identifiers: ClinVar variation 49557 (VCV000049557.16), dbSNP rs45517260, ClinGen allele CA017984.